The following is an entry in ClinVar:

ClinVar aggregate classification (germline): Uncertain significance (1 of 4 stars; one submission).

Conditions:
Hereditary cancer-predisposing syndrome. Also called: Neoplastic Syndromes, Hereditary; Tumor predisposition; Hereditary neoplastic syndrome; Hereditary Cancer Syndrome. Identifiers: Orphanet 140162, MedGen C0027672, MeSH D009386, MONDO:0015356.

Submission:

Ambry Genetics
Classification: Uncertain significance for Hereditary cancer-predisposing syndrome. Last evaluated: 2024-04-19. Review status: criteria provided, single submitter. Criteria: Ambry Variant Classification Scheme 2023. Collection method: clinical testing. Allele origin: germline.
Comment: The p.I84L variant (also known as c.250A>C), located in coding exon 2 of the SDHAF2 gene, results from an A to C substitution at nucleotide position 250. The isoleucine at codon 84 is replaced by leucine, an amino acid with highly similar properties. This amino acid position is conserved. In addition, this alteration is predicted to be tolerated by in silico analysis. Based on the available evidence, the clinical significance of this variant remains unclear.

NM_017841.4(SDHAF2):c.250A>C (p.Ile84Leu)

Gene: SDHAF2 (succinate dehydrogenase complex assembly factor 2; plus strand). Cytogenetic location: 11q12.2.
Variant type: single nucleotide variant.
Coding change: c.250A>C on transcript NM_017841.4 (MANE Select); coding-DNA position 250, A replaced by C.
Protein change: p.Ile84Leu; replaces isoleucine 84 with leucine.
Molecular consequence: missense variant.
Genome position (GRCh38, 1-based): chr11:61,437,838, A>C. VCF-style: chr11-61437838-A-C. GRCh37 (hg19) VCF-style: chr11-61205310-A-C.
Other names: short protein forms I84L.
Identifiers: ClinVar variation 3316868 (VCV003316868.1).
Genomic context (GRCh38, chr11:61,437,838, plus strand): 5'-GAAACCAAAAGAGCCCGCCTGCTCTATGAGAGCAGAAAGAGGGGAATGTTGGAAAACTGC[A>C]TTCTTCTTAGGTATGGGACTAGGAGTCTTTTTTTTTAAATCGGGCAGCTTCCTGAGCCAG-3'
Protein context (NP_060311.1, residues 74-94): SRKRGMLENC[Ile84Leu]LLSLFAKEHL